The following is an entry in ClinVar:

ClinVar aggregate classification (germline): Uncertain significance (1 of 4 stars; one submission).

Conditions:
Diamond-Blackfan anemia 10 (DBA10). Also called: RPS26-Related Diamond-Blackfan Anemia. Identifiers: Orphanet 124, MedGen C2750080, MONDO:0013217, OMIM 613309.

Submission:

Labcorp Genetics (formerly Invitae), Labcorp
Classification: Uncertain significance for Diamond-Blackfan anemia 10. Last evaluated: 2025-03-04. Review status: criteria provided, single submitter. Criteria: Invitae Variant Classification Sherloc (09022015). Collection method: clinical testing. Allele origin: germline.
Comment: This sequence change falls in intron 1 of the RPS26 gene. It does not directly change the encoded amino acid sequence of the RPS26 protein. It affects a nucleotide within the consensus splice site. This variant is not present in population databases (gnomAD no frequency). This variant has not been reported in the literature in individuals affected with RPS26-related conditions. Variants that disrupt the consensus splice site are a relatively common cause of aberrant splicing (PMID: 17576681, 9536098). Algorithms developed to predict the effect of sequence changes on RNA splicing suggest that this variant may disrupt the consensus splice site. In summary, the available evidence is currently insufficient to determine the role of this variant in disease. Therefore, it has been classified as a Variant of Uncertain Significance.

Literature cited by the submitters: PubMed 17576681; PubMed 9536098.

NM_001029.5(RPS26):c.3+6T>C

Gene: RPS26 (ribosomal protein S26; plus strand). Cytogenetic location: 12q13.2.
Variant type: single nucleotide variant.
Coding change: c.3+6T>C on transcript NM_001029.5 (MANE Select); 6 bases into the intron after coding-DNA position 3, T replaced by C.
Molecular consequence: intron variant.
Genome position (GRCh38, 1-based): chr12:56,042,175, T>C. VCF-style: chr12-56042175-T-C. GRCh37 (hg19) VCF-style: chr12-56435959-T-C.
Identifiers: ClinVar variation 4753374 (VCV004753374.1).